The following is an entry in ClinVar:

NM_024675.4(PALB2):c.271G>T (p.Glu91Ter)

Gene: PALB2 (partner and localizer of BRCA2; minus strand). Cytogenetic location: 16p12.2.
Variant type: single nucleotide variant.
Coding change: c.271G>T on transcript NM_024675.4 (MANE Select); coding-DNA position 271, G replaced by T.
Protein change: p.Glu91Ter; replaces glutamic acid 91 with a stop codon.
Molecular consequence: nonsense. On other transcripts: intron variant (3), 5 prime UTR variant (8).
Genome position (GRCh38, 1-based): chr16:23,636,275, C>A on the plus strand (G>T on the coding strand, the complement: PALB2 is on the minus strand). VCF-style: chr16-23636275-C-A. GRCh37 (hg19) VCF-style: chr16-23647596-C-A.
Other names: c.-105+4835G>T (NM_001407312.1, NM_001407313.1); c.211G>T, p.Glu71Ter (NM_001407296.1); c.271G>T, p.Glu91Ter (NM_001407297.1, NM_001407298.1, NM_001407299.1 and 3 more transcripts); c.-615G>T (NM_001407304.1, NM_001407305.1, NM_001407306.1 and 5 more transcripts); c.48+4835G>T (NM_001407314.1); short protein forms E71*, E91*.
Identifiers: ClinVar variation 3927425 (VCV003927425.1).

ClinVar aggregate classification (germline): Pathogenic (1 of 4 stars; one submission).

Conditions:
Hereditary cancer-predisposing syndrome. Also called: Hereditary Cancer Syndrome; Hereditary neoplastic syndrome; Neoplastic Syndromes, Hereditary; Tumor predisposition. Identifiers: Orphanet 140162, MedGen C0027672, MeSH D009386, MONDO:0015356.

Submission:

Ambry Genetics
Classification: Pathogenic for Hereditary cancer-predisposing syndrome. Last evaluated: 2025-03-15. Review status: criteria provided, single submitter. Criteria: Ambry Variant Classification Scheme 2023. Collection method: clinical testing. Allele origin: germline.
Comment: The p.E91* pathogenic mutation (also known as c.271G>T), located in coding exon 4 of the PALB2 gene, results from a G to T substitution at nucleotide position 271. This changes the amino acid from a glutamic acid to a stop codon within coding exon 4. This variant is considered to be rare based on population cohorts in the Genome Aggregation Database (gnomAD). This alteration is expected to result in loss of function by premature protein truncation or nonsense-mediated mRNA decay. As such, this alteration is interpreted as a disease-causing mutation.